The following is an entry in ClinVar:

NM_001062.4(TCN1):c.623A>G (p.Lys208Arg)

Gene: TCN1 (transcobalamin 1; minus strand). Cytogenetic location: 11q12.1.
Variant type: single nucleotide variant.
Coding change: c.623A>G on transcript NM_001062.4 (MANE Select); coding-DNA position 623, A replaced by G.
Protein change: p.Lys208Arg; replaces lysine 208 with arginine.
Molecular consequence: missense variant.
Genome position (GRCh38, 1-based): chr11:59,859,201, T>C on the plus strand (A>G on the coding strand, the complement: TCN1 is on the minus strand). VCF-style: chr11-59859201-T-C. GRCh37 (hg19) VCF-style: chr11-59626674-T-C.
Other names: short protein forms K208R.
Identifiers: ClinVar variation 1346260 (VCV001346260.6), dbSNP rs762584996, ClinGen allele CA6021954.

ClinVar aggregate classification (germline): Uncertain significance (1 of 4 stars; one submission).

Conditions:
Transcobalamin I deficiency (TCN1D). Also called: COBALAMIN PSEUDODEFICIENCY DUE TO TRANSCOBALAMIN DEFICIENCY; COBALAMIN R BINDER PROTEIN DEFICIENCY; TCN1 DEFICIENCY. Identifiers: Orphanet 2967, MedGen C0342700, MONDO:0008659, OMIM 193090.

Allele frequency attached by ClinVar (database versions not stated): gnomAD 0.00001; gnomAD exomes 0.00002 and 0.00004; ExAC 0.00004; TOPMed 0.00005.
gnomAD v4.1: 13 of 1,613,908 alleles (0.00081%); highest among the groups gnomAD compares: Admixed American, 0.022%; no homozygotes.

Submission:

Labcorp Genetics (formerly Invitae), Labcorp
Classification: Uncertain significance for Transcobalamin I deficiency. Last evaluated: 2021-11-23. Review status: criteria provided, single submitter. Criteria: Invitae Variant Classification Sherloc (09022015). Collection method: clinical testing. Allele origin: germline.
Comment: This sequence change replaces lysine, which is basic and polar, with arginine, which is basic and polar, at codon 208 of the TCN1 protein (p.Lys208Arg). This variant is present in population databases (rs762584996, gnomAD 0.03%). In summary, the available evidence is currently insufficient to determine the role of this variant in disease. Therefore, it has been classified as a Variant of Uncertain Significance. Algorithms developed to predict the effect of missense changes on protein structure and function are either unavailable or do not agree on the potential impact of this missense change (SIFT: "Tolerated"; PolyPhen-2: "Possibly Damaging"; Align-GVGD: "Class C0"). This variant has not been reported in the literature in individuals affected with TCN1-related conditions.